The following is an entry in ClinVar:

ClinVar aggregate classification (germline): Pathogenic. Review status: criteria provided, single submitter (1 of 4 stars). 2 submissions from 2 submitters: Pathogenic (1). 1 of the submissions does not count toward it. Last evaluated 2020-05-04.

Conditions:
Usher syndrome type 1F (USH1F). Also called: USHER SYNDROME, TYPE IF. Identifiers: Orphanet 231169, Orphanet 886, MedGen C1865885, MONDO:0011186, OMIM 602083.

Submissions (2):

Women's Health and Genetics/Laboratory Corporation of America, LabCorp
Classification: Pathogenic for Usher syndrome type 1F. Last evaluated: 2020-05-04. Review status: criteria provided, single submitter. Criteria: LabCorp Variant Classification Summary - May 2015. Collection method: clinical testing. Allele origin: germline.
Comment: Variant summary: PCDH15 c.1940C>G (p.Ser647X) results in a premature termination codon, predicted to cause a truncation of the encoded protein or absence of the protein due to nonsense mediated decay, which are commonly known mechanisms for disease. Truncations downstream of this position have been classified as pathogenic by our laboratory. The variant was absent in 250614 control chromosomes (gnomAD). c.1940C>G has been reported in the literature in a consanguineous family with 3 homozygous siblings affected with Usher Syndrome Type 1F (Ahmed_2008). These data indicate that the variant is very likely to be associated with disease. To our knowledge, no experimental evidence demonstrating an impact on protein function has been reported. No clinical diagnostic laboratories have submitted clinical-significance assessments for this variant to ClinVar after 2014. Based on the evidence outlined above, the variant was classified as pathogenic.

OMIM
Classification: Pathogenic for USHER SYNDROME, TYPE IF. Last evaluated: 2008-10-01. Review status: no assertion criteria provided. Collection method: literature only. Allele origin: germline. Not counted in ClinVar's aggregate classification.

Literature cited by the submitters: PubMed 18719945 (cited by Women's Health and Genetics/Laboratory Corporation of America, LabCorp and OMIM).

NM_001384140.1(PCDH15):c.1940C>G (p.Ser647Ter)

Gene: PCDH15 (protocadherin related 15; minus strand). Cytogenetic location: 10q21.1.
Variant type: single nucleotide variant.
Coding change: c.1940C>G on transcript NM_001384140.1 (MANE Select); coding-DNA position 1940, C replaced by G.
Protein change: p.Ser647Ter; replaces serine 647 with a stop codon.
Molecular consequence: nonsense. On other transcripts: intron variant (1).
Genome position (GRCh38, 1-based): chr10:54,090,041, G>C on the plus strand (C>G on the coding strand, the complement: PCDH15 is on the minus strand). VCF-style: chr10-54090041-G-C. GRCh37 (hg19) VCF-style: chr10-55849801-G-C.
Other names: c.1955C>G, p.Ser652Ter (NM_001142763.2, NM_001142771.2); c.1940C>G, p.Ser647Ter (NM_001142764.2, NM_001142766.2, NM_001142770.3 and 5 more transcripts); c.1829C>G, p.Ser610Ter (NM_001142767.2); c.1874C>G, p.Ser625Ter (NM_001142768.2, NM_001142773.2, NM_001354404.2); c.1976C>G, p.Ser659Ter (NM_001142769.4); c.1961C>G, p.Ser654Ter (NM_001354411.2); c.1785-10617C>G (NM_001142765.2); short protein forms S647*, S625*, S654*, S652*, S659*, S610*.
Identifiers: ClinVar variation 4938 (VCV000004938.4), dbSNP rs137853004, ClinGen allele CA253347.
Genomic context (GRCh38, chr10:54,090,041, plus strand): 5'-TACGTTTCTGAAAGATTAAAAACTCTCTGAGGATCTCCATTCTCAATGGCATATGTTATT[G>C]AGTCTCCCTCTCGATCAGTTGCCTTCAGAGAGAAAACATAATTCAATTATCAAGTAATTG-3'